The following is an entry in ClinVar:

NM_017841.4(SDHAF2):c.37-1G>C

Gene: SDHAF2 (succinate dehydrogenase complex assembly factor 2; plus strand). Cytogenetic location: 11q12.2.
Variant type: single nucleotide variant.
Coding change: c.37-1G>C on transcript NM_017841.4 (MANE Select); the canonical splice acceptor site of the intron before coding-DNA position 37, G replaced by C.
Molecular consequence: splice acceptor variant.
Genome position (GRCh38, 1-based): chr11:61,437,624, G>C. VCF-style: chr11-61437624-G-C. GRCh37 (hg19) VCF-style: chr11-61205096-G-C.
Identifiers: ClinVar variation 806678 (VCV000806678.61), dbSNP rs761956866, ClinGen allele CA380682708.

ClinVar aggregate classification (germline): Pathogenic/Likely pathogenic. Review status: criteria provided, multiple submitters, no conflicts (2 of 4 stars). 8 submissions from 8 submitters: Pathogenic (1); Likely pathogenic (7). Last evaluated 2026-05-06.

Conditions:
Hereditary pheochromocytoma and paraganglioma. Also called: Hereditary pheochromocytoma-paraganglioma; Hereditary Paraganglioma-Pheochromocytoma Syndromes; Hereditary paragangliomas and pheochromocytomas. Identifiers: Orphanet 29072, MedGen C4274332, MONDO:0017366.
Pheochromocytoma/paraganglioma syndrome 2. Also called: GLOMUS TUMORS, FAMILIAL, 2; SDHAF2-Related Hereditary Paraganglioma-Pheochromocytoma Syndrome; Paragangliomas 2; SDHAF2-Related Hereditary Paraganglioma-Pheochromocytoma Syndrome (Paragangliomas 2). Identifiers: Orphanet 29072, MedGen C1866552, MONDO:0011121, OMIM 601650.
Hereditary cancer-predisposing syndrome. Also called: Neoplastic Syndromes, Hereditary; Hereditary neoplastic syndrome; Tumor predisposition; Hereditary Cancer Syndrome. Identifiers: Orphanet 140162, MedGen C0027672, MeSH D009386, MONDO:0015356.

Allele frequency attached by ClinVar (database versions not stated): gnomAD 0.00001; TOPMed 0.00001.
gnomAD v4.1: 5 of 1,612,872 alleles (0.00031%); highest among the groups gnomAD compares: Non-Finnish European, 0.00042%; no homozygotes.

Submissions (8):

Myriad Genetics, Inc.
Classification: Likely pathogenic for Pheochromocytoma/paraganglioma syndrome 2. Last evaluated: 2026-05-06. Review status: criteria provided, single submitter. Criteria: Myriad Autosomal Dominant, Autosomal Recessive and X-Linked Classification Criteria (2023). Collection method: clinical testing. Allele origin: unknown.
Comment: This variant is considered likely pathogenic. This variant occurs within a consensus splice junction and is predicted to result in abnormal mRNA splicing of either an out-of-frame exon or an in-frame exon necessary for protein stability and/or normal function.

GeneDx
Classification: Likely pathogenic. Last evaluated: 2025-10-14. Review status: criteria provided, single submitter. Criteria: GeneDx Variant Classification Process June 2021. Collection method: clinical testing. Allele origin: germline. Affected: yes.
Comment: Canonical splice site variant predicted to result in a null allele in a gene for which loss of function is a known mechanism of disease; Not observed at significant frequency in large population cohorts (gnomAD); This variant is associated with the following publications: (PMID: 36495689, 35668420, 39096151)

Labcorp Genetics (formerly Invitae), Labcorp
Classification: Likely pathogenic for Hereditary pheochromocytoma and paraganglioma. Last evaluated: 2025-07-30. Review status: criteria provided, single submitter. Criteria: Invitae Variant Classification Sherloc (09022015). Collection method: clinical testing. Allele origin: germline.
Comment: This sequence change affects an acceptor splice site in intron 1 of the SDHAF2 gene. It is expected to disrupt RNA splicing. Variants that disrupt the donor or acceptor splice site typically lead to a loss of protein function (PMID: 16199547), and loss-of-function variants in SDHAF2 are known to be pathogenic (PMID: 22241717, 26096992). This variant is not present in population databases (gnomAD no frequency). Disruption of this splice site has been observed in individual(s) with ovarian cancer (PMID: 36495689). ClinVar contains an entry for this variant (Variation ID: 806678). Studies have shown that disruption of this splice site is associated with inconclusive levels of altered splicing (internal data). In summary, the currently available evidence indicates that the variant is pathogenic, but additional data are needed to prove that conclusively. Therefore, this variant has been classified as Likely Pathogenic.

Ambry Genetics
Classification: Likely pathogenic for Hereditary cancer-predisposing syndrome. Last evaluated: 2025-01-09. Review status: criteria provided, single submitter. Criteria: Ambry Variant Classification Scheme 2023. Collection method: clinical testing. Allele origin: germline.
Comment: The c.37-1G>C intronic variant results from a G to C substitution one nucleotide upstream from coding exon 2 of the SDHAF2 gene. This variant is considered to be rare based on population cohorts in the Genome Aggregation Database (gnomAD). This nucleotide position is highly conserved in available vertebrate species. In silico splice site analysis predicts that this alteration will weaken the native splice acceptor site. RNA studies have demonstrated that this alteration results in abnormal splicing in the set of samples tested (Ambry internal data). Alterations that disrupt the canonical splice site are expected to cause aberrant splicing, resulting in an abnormal protein or a transcript that is subject to nonsense-mediated mRNA decay. As such, this alteration is classified as likely pathogenic.

All of Us Research Program, National Institutes of Health
Classification: Likely pathogenic for Hereditary pheochromocytoma and paraganglioma. Last evaluated: 2024-06-07. Review status: criteria provided, single submitter. Criteria: ACMG Guidelines, 2015. Collection method: clinical testing. Allele origin: germline. Inheritance: Autosomal dominant inheritance. Observed: 3 variant alleles, 3 heterozygotes.
Comment: This variant causes a G to C nucleotide substitution at the -1 position of intron 1 of the SDHAF2 gene. Splice site prediction tools predict that this variant may have a significant impact on RNA splicing. Although this prediction has not been confirmed in published RNA studies, this variant is expected to result in an absent or disrupted protein product. This variant has not been reported in individuals affected with SDHAF2-related disorders in the literature. This variant has not been identified in the general population by the Genome Aggregation Database (gnomAD). Based on the available evidence, this variant is classified as Likely Pathogenic.

This study involves interpretation of variants in research participants for the purpose of population health screening. Participant phenotype was not available at the time of variant classification. Additional details can be found in publication PMID: 35346344, PMCID: PMC8962531

Color Diagnostics, LLC DBA Color Health
Classification: Likely pathogenic for Hereditary pheochromocytoma and paraganglioma. Last evaluated: 2023-11-16. Review status: criteria provided, single submitter. Criteria: ACMG Guidelines, 2015. Collection method: clinical testing. Allele origin: germline.
Comment: This variant causes a G to C nucleotide substitution at the -1 position of intron 1 of the SDHAF2 gene. Splice site prediction tools predict that this variant may have a significant impact on RNA splicing. Although this prediction has not been confirmed in published RNA studies, this variant is expected to result in an absent or disrupted protein product. This variant has not been reported in individuals affected with SDHAF2-related disorders in the literature. This variant has not been identified in the general population by the Genome Aggregation Database (gnomAD). Based on the available evidence, this variant is classified as Likely Pathogenic.

CeGaT Center for Human Genetics Tuebingen
Classification: Pathogenic. Last evaluated: 2023-11-01. Review status: criteria provided, single submitter. Criteria: CeGaT Center For Human Genetics Tuebingen Variant Classification Criteria Version 2. Collection method: clinical testing. Allele origin: germline. Affected: yes. Observed: 3 variant alleles.
Comment: SDHAF2: PVS1, PM2

Revvity Omics, Revvity
Classification: Likely pathogenic for Pheochromocytoma/paraganglioma syndrome 2. Last evaluated: 2021-01-12. Review status: criteria provided, single submitter. Criteria: ACMG Guidelines, 2015. Collection method: clinical testing. Allele origin: germline.

Literature cited by the submitters: PubMed 16199547 (cited by Labcorp Genetics (formerly Invitae), Labcorp); PubMed 22241717 (cited by Labcorp Genetics (formerly Invitae), Labcorp); PubMed 26096992 (cited by Labcorp Genetics (formerly Invitae), Labcorp); PubMed 36495689 (cited by Labcorp Genetics (formerly Invitae), Labcorp).